The following is an entry in ClinVar:

ClinVar aggregate classification (germline): Uncertain significance (1 of 4 stars; one submission).

Submission:

GeneDx
Classification: Uncertain significance. Last evaluated: 2022-03-14. Review status: criteria provided, single submitter. Criteria: GeneDx Variant Classification Process June 2021. Collection method: clinical testing. Allele origin: germline. Affected: yes.
Comment: Not observed at significant frequency in large population cohorts (gnomAD); Nonsense variant predicted to result in protein truncation or nonsense mediated decay in a gene for which loss-of-function is not a known mechanism of disease; Has not been previously published as pathogenic or benign to our knowledge

NM_003128.3(SPTBN1):c.6665G>A (p.Trp2222Ter)

Genes: SPTBN1 (spectrin beta, non-erythrocytic 1; plus strand), SPTBN1-AS2 (SPTBN1 antisense RNA 2; minus strand). Cytogenetic location: 2p16.2.
Variant type: single nucleotide variant.
Coding change: c.6665G>A on transcript NM_003128.3 (MANE Select); coding-DNA position 6665, G replaced by A.
Protein change: p.Trp2222Ter; replaces tryptophan 2222 with a stop codon.
Molecular consequence: nonsense.
Genome position (GRCh38, 1-based): chr2:54,665,920, G>A. VCF-style: chr2-54665920-G-A. GRCh37 (hg19) VCF-style: chr2-54893057-G-A.
Other names: short protein forms W2222*.
Identifiers: ClinVar variation 1707867 (VCV001707867.2), dbSNP rs2549583781, ClinGen allele CA346861411.
Genomic context (GRCh38, chr2:54,665,920, plus strand): 5'-AGGGGAATGTGGTAGAGCCTTTATCTCCCCCTGCCCTTTTTTTTAAACTGCACAGGTCCT[G>A]GCACAATGTTTATTGTGTCATAAATAACCAAGAAATGGGTTTCTACAAAGATGCAAAGAC-3'